The following is an entry in ClinVar:

ClinVar aggregate classification (germline): Uncertain significance (0 of 4 stars; one submission).

Conditions:
PLXNA2-related disorder. Also called: PLXNA2-related condition.

gnomAD v4.1: 11 of 1,614,034 alleles (0.00068%); highest among the groups gnomAD compares: South Asian, 0.0099%; no homozygotes.

Submission:

PreventionGenetics, part of Exact Sciences
Classification: Uncertain significance for PLXNA2-related condition. Last evaluated: 2024-03-25. Review status: no assertion criteria provided. Collection method: clinical testing. Allele origin: germline.
Comment: The PLXNA2 c.335A>G variant is predicted to result in the amino acid substitution p.Asn112Ser. To our knowledge, this variant has not been reported in the literature. This variant is reported in 0.020% of alleles in individuals of South Asian descent in gnomAD. At this time, the clinical significance of this variant is uncertain due to the absence of conclusive functional and genetic evidence.

NM_025179.4(PLXNA2):c.335A>G (p.Asn112Ser)

Gene: PLXNA2 (plexin A2; minus strand). Cytogenetic location: 1q32.2.
Variant type: single nucleotide variant.
Coding change: c.335A>G on transcript NM_025179.4 (MANE Select); coding-DNA position 335, A replaced by G.
Protein change: p.Asn112Ser; replaces asparagine 112 with serine.
Molecular consequence: missense variant.
Genome position (GRCh38, 1-based): chr1:208,217,588, T>C on the plus strand (A>G on the coding strand, the complement: PLXNA2 is on the minus strand). VCF-style: chr1-208217588-T-C. GRCh37 (hg19) VCF-style: chr1-208390933-T-C.
Other names: short protein forms N112S.
Identifiers: ClinVar variation 3350071 (VCV003350071.1).